The following is an entry in ClinVar:

NM_138295.5(PKD1L1):c.7754A>T (p.Asp2585Val)

Genes: PKD1L1 (polycystin 1 like 1, transient receptor potential channel interacting; minus strand), PKD1L1-AS1 (PKD1L1 antisense RNA 1; plus strand). Cytogenetic location: 7p12.3.
Variant type: single nucleotide variant.
Coding change: c.7754A>T on transcript NM_138295.5 (MANE Select); coding-DNA position 7754, A replaced by T.
Protein change: p.Asp2585Val; replaces aspartic acid 2585 with valine.
Molecular consequence: missense variant.
Genome position (GRCh38, 1-based): chr7:47,808,320, T>A on the plus strand (A>T on the coding strand, the complement: PKD1L1 is on the minus strand). VCF-style: chr7-47808320-T-A. GRCh37 (hg19) VCF-style: chr7-47847918-T-A.
Other names: short protein forms D2585V.
Identifiers: ClinVar variation 4998799 (VCV004998799.1).

ClinVar aggregate classification (germline): Uncertain significance (1 of 4 stars; one submission).

Conditions:
PKD1L1-related disorder. Also called: PKD1L1-related condition.

gnomAD v4.1: 1 of 1,614,038 alleles (0.000062%); highest among the groups gnomAD compares: South Asian, 0.0011%; no homozygotes.

Submission:

PreventionGenetics, part of Exact Sciences
Classification: Uncertain significance for PKD1L1-related condition. Last evaluated: 2024-12-05. Review status: criteria provided, single submitter. Criteria: ACMG Guidelines, 2015. Collection method: clinical testing. Allele origin: germline.
Comment: The PKD1L1 c.7754A>T variant is predicted to result in the amino acid substitution p.Asp2585Val. To our knowledge, this variant has not been reported in the literature or in a large population database (gnomAD), indicating this variant is rare. At this time, the clinical significance of this variant is uncertain due to the absence of conclusive functional and genetic evidence.